The following is an entry in ClinVar:

ClinVar aggregate classification (germline): Benign. Review status: criteria provided, multiple submitters, no conflicts (2 of 4 stars). 7 submissions from 7 submitters: Benign (7). Last evaluated 2026-02-04.

Conditions:
Imerslund-Grasbeck syndrome type 1 (IGS1). Also called: Megaloblastic anemia 1, Finnish type; MEGALOBLASTIC ANEMIA, 1; Imerslund-Gräsbeck syndrome 1. Identifiers: MedGen C4016819, MONDO:0100156, OMIM 261100.
Imerslund-Grasbeck syndrome. Also called: ENTEROCYTE COBALAMIN MALABSORPTION; ENTEROCYTE INTRINSIC FACTOR RECEPTOR, DEFECT OF; Imerslund-Gräsbeck syndrome; PERNICIOUS ANEMIA, JUVENILE, DUE TO SELECTIVE INTESTINAL MALABSORPTION OF VITAMIN B12, WITH PROTEINURIA; Megaloblastic anemia due to inborn errors of metabolism. Identifiers: Orphanet 35858, MedGen C4551825, MONDO:0009853.

Allele frequency attached by ClinVar (database versions not stated): 1000 Genomes Project 30x 0.06152; 1000 Genomes Project 0.06290; TOPMed 0.07490; gnomAD 0.07706 and 0.07797; ESP Exome Variant Server 0.07973; ExAC 0.09112.
gnomAD v4.1: 157,098 of 1,613,908 alleles (9.7%); highest among the groups gnomAD compares: South Asian, 13%; 8,352 homozygotes.

Submissions (7):

Labcorp Genetics (formerly Invitae), Labcorp
Classification: Benign for Imerslund-Grasbeck syndrome. Last evaluated: 2026-02-04. Review status: criteria provided, single submitter. Criteria: Invitae Variant Classification Sherloc (09022015). Collection method: clinical testing. Allele origin: germline.

ARUP Laboratories, Molecular Genetics and Genomics, ARUP Laboratories
Classification: Benign. Last evaluated: 2025-07-28. Review status: criteria provided, single submitter. Criteria: ARUP Molecular Germline Variant Investigation Process 2024. Collection method: clinical testing. Allele origin: germline.

Mayo Clinic Laboratories, Mayo Clinic
Classification: Benign. Last evaluated: 2025-07-25. Review status: criteria provided, single submitter. Criteria: ACMG Guidelines, 2015. Collection method: clinical testing. Allele origin: germline. Observed: 38 variant alleles.
Comment: BA1, BP4

Blueprint Genetics
Classification: Benign. Last evaluated: 2024-11-27. Review status: criteria provided, single submitter. Criteria: ACMG Guidelines, 2015. Collection method: clinical testing. Allele origin: germline.

GeneDx
Classification: Benign. Last evaluated: 2018-09-07. Review status: criteria provided, single submitter. Criteria: GeneDx Variant Classification Process June 2021. Collection method: clinical testing. Allele origin: germline. Affected: yes.
Comment: This variant is associated with the following publications: (PMID: 24052458, 21355061, 23114252)

Illumina Laboratory Services, Illumina
Classification: Benign for Imerslund-Grasbeck syndrome type 1. Last evaluated: 2018-03-06. Review status: criteria provided, single submitter. Criteria: ICSL Variant Classification Criteria 13 December 2019. Collection method: clinical testing. Allele origin: germline.
Comment: This variant was observed in the ICSL laboratory as part of a predisposition screen in an ostensibly healthy population. It had not been previously curated by ICSL or reported in the Human Gene Mutation Database (HGMD: prior to June 1st, 2018), and was therefore a candidate for classification through an automated scoring system. Utilizing variant allele frequency, disease prevalence and penetrance estimates, and inheritance mode, an automated score was calculated to assess if this variant is too frequent to cause the disease. Based on the score and internal cut-off values, a variant classified as benign is not then subjected to further curation. The score for this variant resulted in a classification of benign for this disease.

Breakthrough Genomics
Classification: Benign. Review status: criteria provided, single submitter. Criteria: ACMG Guidelines, 2015. Collection method: not provided. Allele origin: germline. Inheritance: Autosomal recessive inheritance. Affected: yes.

NM_001081.4(CUBN):c.8950A>G (p.Ile2984Val)

Gene: CUBN (cubilin; minus strand). Cytogenetic location: 10p13.
Variant type: single nucleotide variant.
Coding change: c.8950A>G on transcript NM_001081.4 (MANE Select); coding-DNA position 8950, A replaced by G.
Protein change: p.Ile2984Val; replaces isoleucine 2984 with valine.
Molecular consequence: missense variant.
Genome position (GRCh38, 1-based): chr10:16,877,053, T>C on the plus strand (A>G on the coding strand, the complement: CUBN is on the minus strand). VCF-style: chr10-16877053-T-C. GRCh37 (hg19) VCF-style: chr10-16919052-T-C.
Other names: short protein forms I2984V.
Identifiers: ClinVar variation 299389 (VCV000299389.31), dbSNP rs1801239, ClinGen allele CA5422849.
Genomic context (GRCh38, chr10:16,877,053, plus strand): 5'-GCATCTCATCCCCACACACAGTAGCAAATGGGGTGGACATGACGCTGTAACCTCTGATAA[T>C]GTGCACGCCATCGTTGACACAGCTTCCCGTCACAGCGGAACGAGCTGGAAAAGGCATGGA-3'
Protein context (NP_001072.2, residues 2974-2994): TGSCVNDGVH[Ile2984Val]IRGYSVMSTP